The following is an entry in ClinVar:

ClinVar aggregate classification (germline): Uncertain significance (1 of 4 stars; one submission).

Allele frequency attached by ClinVar (database versions not stated): gnomAD exomes below 0.00001.
gnomAD v4.1: 1 of 1,613,774 alleles (0.000062%); highest among the groups gnomAD compares: Middle Eastern, 0.017%; no homozygotes.

Submission:

Labcorp Genetics (formerly Invitae), Labcorp
Classification: Uncertain significance. Last evaluated: 2022-11-01. Review status: criteria provided, single submitter. Criteria: Invitae Variant Classification Sherloc (09022015). Collection method: clinical testing. Allele origin: germline.
Comment: In summary, the available evidence is currently insufficient to determine the role of this variant in disease. Therefore, it has been classified as a Variant of Uncertain Significance. Advanced modeling of protein sequence and biophysical properties (such as structural, functional, and spatial information, amino acid conservation, physicochemical variation, residue mobility, and thermodynamic stability) performed at Invitae indicates that this missense variant is not expected to disrupt ADGRV1 protein function. This variant has not been reported in the literature in individuals affected with ADGRV1-related conditions. This variant is not present in population databases (gnomAD no frequency). This sequence change replaces phenylalanine, which is neutral and non-polar, with leucine, which is neutral and non-polar, at codon 6062 of the ADGRV1 protein (p.Phe6062Leu).

NM_032119.4(ADGRV1):c.18184T>C (p.Phe6062Leu)

Gene: ADGRV1 (adhesion G protein-coupled receptor V1; plus strand). Cytogenetic location: 5q14.3.
Variant type: single nucleotide variant.
Coding change: c.18184T>C on transcript NM_032119.4 (MANE Select); coding-DNA position 18184, T replaced by C.
Protein change: p.Phe6062Leu; replaces phenylalanine 6062 with leucine.
Molecular consequence: missense variant. On other transcripts: non-coding transcript variant (1).
Genome position (GRCh38, 1-based): chr5:91,072,478, T>C. VCF-style: chr5-91072478-T-C. GRCh37 (hg19) VCF-style: chr5-90368295-T-C.
Other names: short protein forms F6062L.
Identifiers: ClinVar variation 2131203 (VCV002131203.4), dbSNP rs2532546030, ClinGen allele CA360431694.